The following is an entry in ClinVar:

ClinVar aggregate classification (germline): Uncertain significance (1 of 4 stars; one submission).

Conditions:
Hypertrophic cardiomyopathy 19. Also called: Familial hypertrophic cardiomyopathy 19. Identifiers: MedGen CN077603, MONDO:0013476.

gnomAD v4.1: 2 of 1,614,044 alleles (0.00012%); highest among the groups gnomAD compares: Admixed American, 0.0017%; no homozygotes.

Submission:

Labcorp Genetics (formerly Invitae), Labcorp
Classification: Uncertain significance for Hypertrophic cardiomyopathy 19. Last evaluated: 2024-06-10. Review status: criteria provided, single submitter. Criteria: Invitae Variant Classification Sherloc (09022015). Collection method: clinical testing. Allele origin: germline.
Comment: This sequence change replaces threonine, which is neutral and polar, with proline, which is neutral and non-polar, at codon 90 of the CALR3 protein (p.Thr90Pro). This variant is present in population databases (rs200449193, gnomAD 0.007%). This variant has not been reported in the literature in individuals affected with CALR3-related conditions. Advanced modeling of protein sequence and biophysical properties (such as structural, functional, and spatial information, amino acid conservation, physicochemical variation, residue mobility, and thermodynamic stability) performed at Invitae indicates that this missense variant is not expected to disrupt CALR3 protein function with a negative predictive value of 80%. In summary, the available evidence is currently insufficient to determine the role of this variant in disease. Therefore, it has been classified as a Variant of Uncertain Significance.

NM_145046.5(CALR3):c.268A>C (p.Thr90Pro)

Gene: CALR3 (calreticulin 3; minus strand). Cytogenetic location: 19p13.11.
Variant type: single nucleotide variant.
Coding change: c.268A>C on transcript NM_145046.5 (MANE Select); coding-DNA position 268, A replaced by C.
Protein change: p.Thr90Pro; replaces threonine 90 with proline.
Molecular consequence: missense variant.
Genome position (GRCh38, 1-based): chr19:16,490,496, T>G on the plus strand (A>C on the coding strand, the complement: CALR3 is on the minus strand). VCF-style: chr19-16490496-T-G. GRCh37 (hg19) VCF-style: chr19-16601307-T-G.
Other names: short protein forms T90P.
Identifiers: ClinVar variation 3694752 (VCV003694752.2).